The following is an entry in ClinVar:

NM_004260.4(RECQL4):c.368T>C (p.Leu123Pro)

Gene: RECQL4 (RecQ like helicase 4; minus strand). Cytogenetic location: 8q24.3.
Variant type: single nucleotide variant.
Coding change: c.368T>C on transcript NM_004260.4 (MANE Select); coding-DNA position 368, T replaced by C.
Protein change: p.Leu123Pro; replaces leucine 123 with proline.
Molecular consequence: missense variant.
Genome position (GRCh38, 1-based): chr8:144,516,751, A>G on the plus strand (T>C on the coding strand, the complement: RECQL4 is on the minus strand). VCF-style: chr8-144516751-A-G. GRCh37 (hg19) VCF-style: chr8-145742135-A-G.
Other names: c.368T>C (NM_004260.3); short protein forms L123P.
Identifiers: ClinVar variation 1018898 (VCV001018898.7), dbSNP rs1301601410, ClinGen allele CA372691744.

ClinVar aggregate classification (germline): Uncertain significance. Review status: criteria provided, multiple submitters, no conflicts (2 of 4 stars). 2 submissions from 2 submitters: Uncertain significance (2). Last evaluated 2025-05-03.

Conditions:
Inborn genetic diseases. Identifiers: MedGen C0950123, MeSH D030342.
Baller-Gerold syndrome (BGS). Also called: CRANIOSYNOSTOSIS WITH RADIAL DEFECTS. Identifiers: Orphanet 1225, MedGen C0265308, MONDO:0009039, OMIM 218600.

Allele frequency attached by ClinVar (database versions not stated): gnomAD 0.00001; TOPMed 0.00002.
gnomAD v4.1: 2 of 1,523,460 alleles (0.00013%); highest among the groups gnomAD compares: African/African-American, 0.0028%; no homozygotes.

Submissions (2):

Ambry Genetics
Classification: Uncertain significance for Inborn genetic diseases. Last evaluated: 2025-05-03. Review status: criteria provided, single submitter. Criteria: Ambry Variant Classification Scheme 2023. Collection method: clinical testing. Allele origin: germline.

Labcorp Genetics (formerly Invitae), Labcorp
Classification: Uncertain significance for Baller-Gerold syndrome. Last evaluated: 2025-03-17. Review status: criteria provided, single submitter. Criteria: Invitae Variant Classification Sherloc (09022015). Collection method: clinical testing. Allele origin: germline.
Comment: This sequence change replaces leucine, which is neutral and non-polar, with proline, which is neutral and non-polar, at codon 123 of the RECQL4 protein (p.Leu123Pro). This variant is present in population databases (no rsID available, gnomAD 0.01%). This variant has not been reported in the literature in individuals affected with RECQL4-related conditions. ClinVar contains an entry for this variant (Variation ID: 1018898). Invitae Evidence Modeling of protein sequence and biophysical properties (such as structural, functional, and spatial information, amino acid conservation, physicochemical variation, residue mobility, and thermodynamic stability) indicates that this missense variant is not expected to disrupt RECQL4 protein function with a negative predictive value of 80%. In summary, the available evidence is currently insufficient to determine the role of this variant in disease. Therefore, it has been classified as a Variant of Uncertain Significance.